The following is an entry in ClinVar:

NM_000400.4(ERCC2):c.719-1G>T

Gene: ERCC2 (ERCC excision repair 2, TFIIH core complex helicase subunit; minus strand). Cytogenetic location: 19q13.32.
Variant type: single nucleotide variant.
Coding change: c.719-1G>T on transcript NM_000400.4 (MANE Select); the canonical splice acceptor site of the intron before coding-DNA position 719, G replaced by T.
Molecular consequence: splice acceptor variant.
Genome position (GRCh38, 1-based): chr19:45,364,332, C>A on the plus strand (G>T on the coding strand, the complement: ERCC2 is on the minus strand). VCF-style: chr19-45364332-C-A. GRCh37 (hg19) VCF-style: chr19-45867590-C-A.
Other names: c.647-1G>T (NM_001130867.2).
Identifiers: ClinVar variation 2746158 (VCV002746158.3), dbSNP rs1296249274, ClinGen allele CA406374252.

ClinVar aggregate classification (germline): Likely pathogenic (1 of 4 stars; one submission).

Submission:

Labcorp Genetics (formerly Invitae), Labcorp
Classification: Likely pathogenic. Last evaluated: 2023-09-05. Review status: criteria provided, single submitter. Criteria: Invitae Variant Classification Sherloc (09022015). Collection method: clinical testing. Allele origin: germline.
Comment: In summary, the currently available evidence indicates that the variant is pathogenic, but additional data are needed to prove that conclusively. Therefore, this variant has been classified as Likely Pathogenic. Algorithms developed to predict the effect of sequence changes on RNA splicing suggest that this variant may disrupt the consensus splice site. This variant has not been reported in the literature in individuals affected with ERCC2-related conditions. This variant is not present in population databases (gnomAD no frequency). This sequence change affects an acceptor splice site in intron 8 of the ERCC2 gene. It is expected to disrupt RNA splicing. Variants that disrupt the donor or acceptor splice site typically lead to a loss of protein function (PMID: 16199547), and loss-of-function variants in ERCC2 are known to be pathogenic (PMID: 9238033, 11335038, 19085937, 19934020).

Literature cited by the submitters: PubMed 16199547; PubMed 9238033; PubMed 11335038; PubMed 19085937; PubMed 19934020.